The following is an entry in ClinVar:

NM_006648.4(WNK2):c.6215G>C (p.Trp2072Ser)

Gene: WNK2 (WNK lysine deficient protein kinase 2; plus strand). Cytogenetic location: 9q22.31.
Variant type: single nucleotide variant.
Coding change: c.6215G>C on transcript NM_006648.4 (MANE Select); coding-DNA position 6215, G replaced by C.
Protein change: p.Trp2072Ser; replaces tryptophan 2072 with serine.
Molecular consequence: missense variant.
Genome position (GRCh38, 1-based): chr9:93,306,777, G>C. VCF-style: chr9-93306777-G-C. GRCh37 (hg19) VCF-style: chr9-96069059-G-C.
Other names: c.6326G>C, p.Trp2109Ser (NM_001282394.3); short protein forms W2072S, W2109S.
Identifiers: ClinVar variation 4866548 (VCV004866548.1).

ClinVar aggregate classification (germline): Uncertain significance (1 of 4 stars; one submission).

Submission:

Ambry Genetics
Classification: Uncertain significance. Last evaluated: 2026-03-29. Review status: criteria provided, single submitter. Criteria: Ambry Variant Classification Scheme 2023. Collection method: clinical testing. Allele origin: germline.
Comment: The p.W2072S variant (also known as c.6215G>C) is located in coding exon 26 of the WNK2 gene. The tryptophan at codon 2072 is replaced by serine, an amino acid with highly dissimilar properties. This change occurs in the first base pair of coding exon 26. This amino acid position is conserved. In addition, this alteration is predicted to be deleterious by in silico analysis. Based on the available evidence, the clinical significance of this variant remains unclear.